The following is an entry in ClinVar:

ClinVar aggregate classification (germline): Uncertain significance (1 of 4 stars; one submission).

Conditions:
Epileptic encephalopathy. Identifiers: MedGen C0543888, HP:0200134.

gnomAD v4.1: 2 of 1,612,528 alleles (0.00012%); highest among the groups gnomAD compares: Non-Finnish European, 0.000085%; no homozygotes.

Submission:

Labcorp Genetics (formerly Invitae), Labcorp
Classification: Uncertain significance for Epileptic encephalopathy. Last evaluated: 2020-04-20. Review status: criteria provided, single submitter. Criteria: Invitae Variant Classification Sherloc (09022015). Collection method: clinical testing. Allele origin: germline.
Comment: This sequence change replaces aspartic acid with histidine at codon 98 of the FASN protein (p.Asp98His). The aspartic acid residue is weakly conserved and there is a moderate physicochemical difference between aspartic acid and histidine. This variant is not present in population databases (ExAC no frequency). This variant has not been reported in the literature in individuals with FASN-related conditions. Algorithms developed to predict the effect of missense changes on protein structure and function (SIFT, PolyPhen-2, Align-GVGD) all suggest that this variant is likely to be tolerated, but these predictions have not been confirmed by published functional studies and their clinical significance is uncertain. In summary, the available evidence is currently insufficient to determine the role of this variant in disease. Therefore, it has been classified as a Variant of Uncertain Significance.

NM_004104.5(FASN):c.292G>C (p.Asp98His)

Gene: FASN (fatty acid synthase; minus strand). Cytogenetic location: 17q25.3.
Variant type: single nucleotide variant.
Coding change: c.292G>C on transcript NM_004104.5 (MANE Select); coding-DNA position 292, G replaced by C.
Protein change: p.Asp98His; replaces aspartic acid 98 with histidine.
Molecular consequence: missense variant.
Genome position (GRCh38, 1-based): chr17:82,093,760, C>G on the plus strand (G>C on the coding strand, the complement: FASN is on the minus strand). VCF-style: chr17-82093760-C-G. GRCh37 (hg19) VCF-style: chr17-80051636-C-G.
Other names: short protein forms D98H.
Identifiers: ClinVar variation 1005915 (VCV001005915.8), dbSNP rs1008936868, ClinGen allele CA401565362.